The following is an entry in ClinVar:

NM_000349.3(STAR):c.367G>A (p.Glu123Lys)

Gene: STAR (steroidogenic acute regulatory protein; minus strand). Cytogenetic location: 8p11.23.
Variant type: single nucleotide variant.
Coding change: c.367G>A on transcript NM_000349.3 (MANE Select); coding-DNA position 367, G replaced by A.
Protein change: p.Glu123Lys; replaces glutamic acid 123 with lysine.
Molecular consequence: missense variant.
Genome position (GRCh38, 1-based): chr8:38,146,387, C>T on the plus strand (G>A on the coding strand, the complement: STAR is on the minus strand). VCF-style: chr8-38146387-C-T. GRCh37 (hg19) VCF-style: chr8-38003905-C-T.
Other names: short protein forms E123K.
Identifiers: ClinVar variation 2633643 (VCV002633643.4), dbSNP rs1408214109, ClinGen allele CA370700827.

ClinVar aggregate classification (germline): Likely pathogenic. Review status: criteria provided, multiple submitters, no conflicts (2 of 4 stars). 2 submissions from 2 submitters: Likely pathogenic (2). Last evaluated 2023-03-27.

Conditions:
STAR-related disorder. Also called: STAR-related condition.

Allele frequency attached by ClinVar (database versions not stated): gnomAD exomes below 0.00001; TOPMed below 0.00001.

Submissions (2):

PreventionGenetics, part of Exact Sciences
Classification: Likely pathogenic for STAR-related condition. Last evaluated: 2023-03-27. Review status: criteria provided, single submitter. Criteria: ACMG Guidelines, 2015. Collection method: clinical testing. Allele origin: germline.
Comment: The STAR c.367G>A variant is predicted to result in the amino acid substitution p.Glu123Lys. This variant was reported in the compound heterozygous state with canonical splice site variant c.465+2T>A in at least two unrelated individuals with lipoid adrenal hyperplasia (Xie et al. 2015. PubMed ID: 26014698; Zhang et al. 2020. PubMed ID: 33227378; Wijaya et al. 2021. PubMed ID: 34243750). Functional studies showed that this variant possesses ~26% wild-type protein activity (Zhang et al. 2020. PubMed ID: 33227378). This variant has not been reported in a large population database, indicating this variant is rare. This variant is interpreted as likely pathogenic.

Labcorp Genetics (formerly Invitae), Labcorp
Classification: Likely pathogenic. Last evaluated: 2023-01-09. Review status: criteria provided, single submitter. Criteria: Invitae Variant Classification Sherloc (09022015). Collection method: clinical testing. Allele origin: germline.
Comment: Experimental studies have shown that this missense change affects STAR function (PMID: 33227378). In summary, the currently available evidence indicates that the variant is pathogenic, but additional data are needed to prove that conclusively. Therefore, this variant has been classified as Likely Pathogenic. Advanced modeling of protein sequence and biophysical properties (such as structural, functional, and spatial information, amino acid conservation, physicochemical variation, residue mobility, and thermodynamic stability) performed at Invitae indicates that this missense variant is not expected to disrupt STAR protein function. This sequence change replaces glutamic acid, which is acidic and polar, with lysine, which is basic and polar, at codon 123 of the STAR protein (p.Glu123Lys). This variant is not present in population databases (gnomAD no frequency). This missense change has been observed in individual(s) with congenital lipoid adrenal hyperplasia (PMID: 26014698, 31141483). In at least one individual the data is consistent with being in trans (on the opposite chromosome) from a pathogenic variant.

Literature cited by the submitters: PubMed 33227378 (cited by Labcorp Genetics (formerly Invitae), Labcorp); PubMed 26014698 (cited by Labcorp Genetics (formerly Invitae), Labcorp); PubMed 31141483 (cited by Labcorp Genetics (formerly Invitae), Labcorp).